The following is an entry in ClinVar:

NM_000202.8(IDS):c.359_360insATCC (p.Gln121fs)

Gene: IDS (iduronate 2-sulfatase; minus strand). Cytogenetic location: Xq28.
Variant type: Insertion.
Coding change: c.359_360insATCC on transcript NM_000202.8 (MANE Select); coding-DNA positions 359 to 360, ATCC inserted.
Protein change: p.Gln121fs; shifts the reading frame from glutamine 121.
Molecular consequence: frameshift variant. On other transcripts: non-coding transcript variant (1).
Genome position: GRCh38 VCF-style: chrX-149503370-G-GGGAT. GRCh37 (hg19) VCF-style: chrX-148584900-G-GGGAT.
Other names: c.89_90insATCC, p.Gln31fs (NM_001166550.4); c.359_360insATCC, p.Gln121fs (NM_006123.5); short protein forms Q121fs, Q31fs.
Identifiers: ClinVar variation 3255685 (VCV003255685.2).

ClinVar aggregate classification (germline): Pathogenic (1 of 4 stars; one submission).

Conditions:
Mucopolysaccharidosis, MPS-II (MPS2). Also called: Hunter Syndrome; IDURONATE 2-SULFATASE DEFICIENCY; Mucopolysaccharidosis Type II; Mucopolysaccharidosis type 2; Attenuated MPS (subtype; formerly known as mild MPS II); Severe MPS II. Identifiers: Orphanet 580, Orphanet 79388, MedGen C0026705, MONDO:0010674, OMIM 309900.

Submission:

Laboratory of Diagnosis and Therapy of Lysosomal Disorders, University of Padova
Classification: Pathogenic for Mucopolysaccharidosis, MPS-II. Last evaluated: 2024-06-07. Review status: criteria provided, single submitter. Criteria: ACMG Guidelines, 2015. Collection method: literature only. Allele origin: germline. Affected: yes. Observed: 1 variant allele.
Comment: Null variant (PVS1_VeryStrong), Absent from controls (or at low frequency) in gnomAD database (PM2_Moderate), Patient’s phenotype or family history highly specific for the disease (PP4_Moderate)

Classification method: ACMG Guidelines [PMID:25741868] with modifications

Literature cited by the submitters: PubMed 21291454.